The following is an entry in ClinVar:

NM_002834.5(PTPN11):c.1143C>T (p.Gly381=)

Gene: PTPN11 (protein tyrosine phosphatase non-receptor type 11; plus strand). Cytogenetic location: 12q24.13.
Variant type: single nucleotide variant.
Coding change: c.1143C>T on transcript NM_002834.5 (MANE Select); coding-DNA position 1143, C replaced by T.
Protein change: p.Gly381=; no amino-acid change (glycine 381 retained).
Molecular consequence: synonymous variant.
Genome position (GRCh38, 1-based): chr12:112,482,124, C>T. VCF-style: chr12-112482124-C-T. GRCh37 (hg19) VCF-style: chr12-112919928-C-T.
Other names: c.1143C>T, p.Gly381= (NM_001330437.2, NM_080601.3); c.1140C>T, p.Gly380= (NM_001374625.1); c.1143C>T (NM_002834.4).
Identifiers: ClinVar variation 704243 (VCV000704243.41), dbSNP rs781677115, ClinGen allele CA6798728.
Genomic context (GRCh38, chr12:112,482,124, plus strand): 5'-TCTCTTCCAGAGTAAATGTGTCAAATACTGGCCTGATGAGTATGCTCTAAAAGAATATGG[C>T]GTCATGCGTGTTAGGAACGTCAAAGAAAGCGCCGCTCATGACTATACGCTAAGAGAACTT-3'
Protein context (NP_002825.3, residues 371-391): WPDEYALKEY[Gly381=]VMRVRNVKES

ClinVar aggregate classification (germline): Conflicting classifications of pathogenicity. Review status: criteria provided, conflicting classifications (1 of 4 stars). 8 submissions from 8 submitters: Uncertain significance (1); Likely benign (7). Last evaluated 2026-05-08.

Conditions:
Noonan syndrome and Noonan-related syndrome. Identifiers: Orphanet 98733, MedGen C5681679, MONDO:0020297.
RASopathy. Also called: rasopathies; Noonan spectrum disorder. Identifiers: Orphanet 536391, MedGen C5555857, MONDO:0021060.
PTPN11-related disorder. Also called: PTPN11-Related Disorders.
Cardiovascular phenotype. Identifiers: MedGen CN230736.

Allele frequency attached by ClinVar (database versions not stated): ExAC 0.00002; gnomAD exomes 0.00002 and 0.00006; gnomAD 0.00004 and 0.00005; TOPMed 0.00005.
gnomAD v4.1: 92 of 1,595,584 alleles (0.0058%); highest among the groups gnomAD compares: Non-Finnish European, 0.0073%; no homozygotes.

Submissions (8):

Women's Health and Genetics/Laboratory Corporation of America, LabCorp
Classification: Likely benign. Last evaluated: 2026-05-08. Review status: criteria provided, single submitter. Criteria: LabCorp Variant Classification Summary - May 2015. Collection method: clinical testing. Allele origin: germline.

PreventionGenetics, part of Exact Sciences
Classification: Likely benign for PTPN11-related condition. Last evaluated: 2026-03-17. Review status: criteria provided, single submitter. Criteria: ACMG Guidelines, 2015. Collection method: clinical testing. Allele origin: germline.
Comment: This variant is classified as likely benign based on ACMG/AMP sequence variant interpretation guidelines (Richards et al. 2015 PMID: 25741868, with internal and published modifications).

Labcorp Genetics (formerly Invitae), Labcorp
Classification: Likely benign for RASopathy. Last evaluated: 2025-12-16. Review status: criteria provided, single submitter. Criteria: Invitae Variant Classification Sherloc (09022015). Collection method: clinical testing. Allele origin: germline.

Blueprint Genetics
Classification: Likely benign. Last evaluated: 2024-05-20. Review status: criteria provided, single submitter. Criteria: ACMG Guidelines, 2015. Collection method: clinical testing. Allele origin: germline.

CeGaT Center for Human Genetics Tuebingen
Classification: Likely benign. Last evaluated: 2024-03-01. Review status: criteria provided, single submitter. Criteria: CeGaT Center For Human Genetics Tuebingen Variant Classification Criteria Version 2. Collection method: clinical testing. Allele origin: germline. Affected: yes. Observed: 1 variant allele.
Comment: PTPN11: BP4, BP7

Ambry Genetics
Classification: Likely benign for Cardiovascular phenotype. Last evaluated: 2020-07-09. Review status: criteria provided, single submitter. Criteria: Ambry Variant Classification Scheme 2023. Collection method: clinical testing. Allele origin: germline.

GeneDx
Classification: Likely benign. Last evaluated: 2018-06-28. Review status: criteria provided, single submitter. Criteria: GeneDx Variant Classification Process June 2021. Collection method: clinical testing. Allele origin: germline. Affected: yes.

Genome Diagnostics Laboratory, The Hospital for Sick Children
Classification: Uncertain significance for Noonan syndrome and Noonan-related syndrome. Last evaluated: 2017-10-02. Review status: criteria provided, single submitter. Criteria: ACMG Guidelines, 2015. Collection method: clinical testing. Allele origin: germline.